The following is an entry in ClinVar:

ClinVar aggregate classification (germline): Uncertain significance (1 of 4 stars; one submission).

Conditions:
Congenital insensitivity to pain-hypohidrosis syndrome. Also called: HSAN VIII; Neuropathy, hereditary sensory and autonomic, type VIII. Identifiers: Orphanet 478664, MedGen C4225308, MONDO:0014662, OMIM 616488.

Allele frequency attached by ClinVar (database versions not stated): gnomAD exomes 0.00001; gnomAD 0.00007 and 0.00008; 1000 Genomes Project 30x 0.00031.

Submission:

Labcorp Genetics (formerly Invitae), Labcorp
Classification: Uncertain significance for Congenital insensitivity to pain-hypohidrosis syndrome. Last evaluated: 2021-08-04. Review status: criteria provided, single submitter. Criteria: Invitae Variant Classification Sherloc (09022015). Collection method: clinical testing. Allele origin: germline.
Comment: The frequency data for this variant in the population databases is considered unreliable, as metrics indicate insufficient coverage at this position in the ExAC database. This variant, c.993_1013dup, results in the insertion of 7 amino acid(s) to the PRDM12 protein (p.His333_Ala339dup), but otherwise preserves the integrity of the reading frame. Experimental studies and prediction algorithms are not available or were not evaluated, and the functional significance of this variant is currently unknown. In summary, the available evidence is currently insufficient to determine the role of this variant in disease. Therefore, it has been classified as a Variant of Uncertain Significance. This variant has not been reported in the literature in individuals affected with PRDM12-related conditions.

NM_021619.3(PRDM12):c.993_1013dup (p.His333_Ala339dup)

Gene: PRDM12 (PR/SET domain 12; plus strand). Cytogenetic location: 9q34.12.
Variant type: Duplication.
Coding change: c.993_1013dup on transcript NM_021619.3 (MANE Select); coding-DNA positions 993 to 1013, 21 bases duplicated (GGCACACTCGCCCGCGCTGCC).
Protein change: p.His333_Ala339dup.
Molecular consequence: inframe insertion.
Genome position (GRCh38, 1-based): chr9:130,681,558-130,681,578, GGCACACTCGCCCGCGCTGCC duplicated. VCF-style (leftmost placement, unchanged base first): chr9-130681557-A-AGGCACACTCGCCCGCGCTGCC. GRCh37 (hg19) VCF-style: chr9-133556944-A-AGGCACACTCGCCCGCGCTGCC.
Identifiers: ClinVar variation 1498892 (VCV001498892.6), dbSNP rs1438711270, ClinGen allele CA860447846.